The following is an entry in ClinVar:

NM_000293.3(PHKB):c.733G>A (p.Ala245Thr)

Gene: PHKB (phosphorylase kinase regulatory subunit beta; plus strand). Cytogenetic location: 16q12.1.
Variant type: single nucleotide variant.
Coding change: c.733G>A on transcript NM_000293.3 (MANE Select); coding-DNA position 733, G replaced by A.
Protein change: p.Ala245Thr; replaces alanine 245 with threonine.
Molecular consequence: missense variant.
Genome position (GRCh38, 1-based): chr16:47,580,317, G>A. VCF-style: chr16-47580317-G-A. GRCh37 (hg19) VCF-style: chr16-47614228-G-A.
Other names: c.712G>A, p.Ala238Thr (NM_001031835.3); c.733G>A, p.Ala245Thr (NM_001363837.1); short protein forms A238T, A245T.
Identifiers: ClinVar variation 1895818 (VCV001895818.2), dbSNP rs773845023, ClinGen allele CA8040598.

ClinVar aggregate classification (germline): Uncertain significance (1 of 4 stars; one submission).

Conditions:
Glycogen storage disease IXb (GSD9B). Also called: PHOSPHORYLASE KINASE DEFICIENCY OF LIVER AND MUSCLE, AUTOSOMAL RECESSIVE; GLYCOGENOSIS OF LIVER AND MUSCLE, AUTOSOMAL RECESSIVE; GSD IXb. Identifiers: Orphanet 79240, MedGen C0543514, MONDO:0009868, OMIM 261750.

Allele frequency attached by ClinVar (database versions not stated): gnomAD exomes below 0.00001; TOPMed 0.00001; ExAC 0.00002; gnomAD 0.00002.
gnomAD v4.1: 6 of 1,612,810 alleles (0.00037%); highest among the groups gnomAD compares: Admixed American, 0.0067%; no homozygotes.

Submission:

Labcorp Genetics (formerly Invitae), Labcorp
Classification: Uncertain significance for Glycogen storage disease IXb. Last evaluated: 2022-07-14. Review status: criteria provided, single submitter. Criteria: Invitae Variant Classification Sherloc (09022015). Collection method: clinical testing. Allele origin: germline.
Comment: This sequence change replaces alanine, which is neutral and non-polar, with threonine, which is neutral and polar, at codon 245 of the PHKB protein (p.Ala245Thr). This variant is present in population databases (rs773845023, gnomAD 0.006%). This variant has not been reported in the literature in individuals affected with PHKB-related conditions. Algorithms developed to predict the effect of missense changes on protein structure and function are either unavailable or do not agree on the potential impact of this missense change (SIFT: "Deleterious"; PolyPhen-2: "Benign"; Align-GVGD: "Class C0"). In summary, the available evidence is currently insufficient to determine the role of this variant in disease. Therefore, it has been classified as a Variant of Uncertain Significance.